The following is an entry in ClinVar:

ClinVar aggregate classification (germline): Uncertain significance (1 of 4 stars; one submission).

Allele frequency attached by ClinVar (database versions not stated): gnomAD 0.00002; TOPMed 0.00002; ExAC 0.00004.
gnomAD v4.1: 20 of 1,590,574 alleles (0.0013%); highest among the groups gnomAD compares: East Asian, 0.0068%; no homozygotes.

Submission:

Labcorp Genetics (formerly Invitae), Labcorp
Classification: Uncertain significance. Last evaluated: 2024-02-14. Review status: criteria provided, single submitter. Criteria: Invitae Variant Classification Sherloc (09022015). Collection method: clinical testing. Allele origin: germline.
Comment: This sequence change replaces aspartic acid, which is acidic and polar, with asparagine, which is neutral and polar, at codon 442 of the DLL1 protein (p.Asp442Asn). The frequency data for this variant in the population databases is considered unreliable, as metrics indicate poor data quality at this position in the gnomAD database. This variant has not been reported in the literature in individuals affected with DLL1-related conditions. Algorithms developed to predict the effect of missense changes on protein structure and function output the following: SIFT: "Not Available"; PolyPhen-2: "Benign"; Align-GVGD: "Not Available". The asparagine amino acid residue is found in multiple mammalian species, which suggests that this missense change does not adversely affect protein function. In summary, the available evidence is currently insufficient to determine the role of this variant in disease. Therefore, it has been classified as a Variant of Uncertain Significance.

NM_005618.4(DLL1):c.1324G>A (p.Asp442Asn)

Gene: DLL1 (delta like canonical Notch ligand 1; minus strand). Cytogenetic location: 6q27.
Variant type: single nucleotide variant.
Coding change: c.1324G>A on transcript NM_005618.4 (MANE Select); coding-DNA position 1324, G replaced by A.
Protein change: p.Asp442Asn; replaces aspartic acid 442 with asparagine.
Molecular consequence: missense variant.
Genome position (GRCh38, 1-based): chr6:170,283,955, C>T on the plus strand (G>A on the coding strand, the complement: DLL1 is on the minus strand). VCF-style: chr6-170283955-C-T. GRCh37 (hg19) VCF-style: chr6-170593043-C-T.
Other names: short protein forms D442N.
Identifiers: ClinVar variation 3021346 (VCV003021346.3), dbSNP rs775661497, ClinGen allele CA4106860.